The following is an entry in ClinVar:

NM_000551.4(VHL):c.290C>T (p.Pro97Leu)

Gene: VHL (von Hippel-Lindau tumor suppressor; plus strand). Cytogenetic location: 3p25.3.
Variant type: single nucleotide variant.
Coding change: c.290C>T on transcript NM_000551.4 (MANE Select); coding-DNA position 290, C replaced by T.
Protein change: p.Pro97Leu; replaces proline 97 with leucine.
Molecular consequence: missense variant.
Genome position (GRCh38, 1-based): chr3:10,142,137, C>T. VCF-style: chr3-10142137-C-T. GRCh37 (hg19) VCF-style: chr3-10183821-C-T.
Other names: c.290C>T, p.Pro97Leu (NM_001354723.2, NM_198156.3); short protein forms P97L.
Identifiers: ClinVar variation 1503290 (VCV001503290.11), dbSNP rs2125125249, ClinGen allele CA351750876.

ClinVar aggregate classification (germline): Uncertain significance. Review status: criteria provided, multiple submitters, no conflicts (2 of 4 stars). 3 submissions from 3 submitters: Uncertain significance (3). Last evaluated 2026-03-17.

Conditions:
Chuvash polycythemia. Also called: POLYCYTHEMIA, VHL-DEPENDENT. Identifiers: Orphanet 238557, MedGen C1837915, MONDO:0009892, OMIM 263400.
Von Hippel-Lindau syndrome (VHLS). Also called: Von Hippel-Lindau; von Hippel–Lindau syndrome; VHL syndrome. Identifiers: Orphanet 892, MedGen C0019562, MONDO:0008667, OMIM 193300. Disease mechanism: loss of function.
Hereditary cancer-predisposing syndrome. Also called: Tumor predisposition; Neoplastic Syndromes, Hereditary; Hereditary Cancer Syndrome; Hereditary neoplastic syndrome. Identifiers: Orphanet 140162, MedGen C0027672, MeSH D009386, MONDO:0015356.

Allele frequency attached by ClinVar (database versions not stated): gnomAD exomes below 0.00001.

Submissions (3):

Ambry Genetics
Classification: Uncertain significance for Hereditary cancer-predisposing syndrome. Last evaluated: 2026-03-17. Review status: criteria provided, single submitter. Criteria: Ambry Variant Classification Scheme 2023. Collection method: clinical testing. Allele origin: germline.
Comment: The p.P97L variant (also known as c.290C>T), located in coding exon 1 of the VHL gene, results from a C to T substitution at nucleotide position 290. The proline at codon 97 is replaced by leucine, an amino acid with similar properties. This amino acid position is not well conserved in available vertebrate species. In addition, this alteration is predicted to be deleterious by in silico analysis. This variant was determined to be functionally neutral in one saturation genome editing assay (Buckley M et al. Nat Genet, 2024 Jul;56:1446-1455). Based on the available evidence, the clinical significance of this variant remains unclear.

Labcorp Genetics (formerly Invitae), Labcorp
Classification: Uncertain significance for Von Hippel-Lindau syndrome; Chuvash polycythemia. Last evaluated: 2024-11-18. Review status: criteria provided, single submitter. Criteria: Invitae Variant Classification Sherloc (09022015). Collection method: clinical testing. Allele origin: germline.
Comment: This sequence change replaces proline, which is neutral and non-polar, with leucine, which is neutral and non-polar, at codon 97 of the VHL protein (p.Pro97Leu). This variant is not present in population databases (gnomAD no frequency). This missense change has been observed in individual(s) with clinical features of von Hippel-Lindau syndrome, clinical features of erythrocytosis and/or pheochromocytoma (PMID: 15300849, 16314641, 19763184, 29790589). ClinVar contains an entry for this variant (Variation ID: 1503290). Invitae Evidence Modeling of protein sequence and biophysical properties (such as structural, functional, and spatial information, amino acid conservation, physicochemical variation, residue mobility, and thermodynamic stability) indicates that this missense variant is expected to disrupt VHL protein function with a positive predictive value of 95%. In summary, the available evidence is currently insufficient to determine the role of this variant in disease. Therefore, it has been classified as a Variant of Uncertain Significance.

All of Us Research Program, National Institutes of Health
Classification: Uncertain significance for Von Hippel-Lindau syndrome. Last evaluated: 2023-08-28. Review status: criteria provided, single submitter. Criteria: ACMG Guidelines, 2015. Collection method: clinical testing. Allele origin: germline. Inheritance: Autosomal dominant inheritance. Observed: 1 variant allele, 1 heterozygote.
Comment: This missense variant replaces proline with leucine at codon 97 of the VHL protein. Computational prediction suggests that this variant may have deleterious impact on protein structure and function (internally defined REVEL score threshold >= 0.7, PMID: 27666373). To our knowledge, functional studies have not been reported for this variant. This variant has been reported in at least two families affected with VHL and in an individual affected with pheochromocytoma (PMID: 15300849, 16314641, 19763184). This variant has not been identified in the general population by the Genome Aggregation Database (gnomAD). The available evidence is insufficient to determine the role of this variant in disease conclusively. Therefore, this variant is classified as a Variant of Uncertain Significance.

This study involves interpretation of variants in research participants for the purpose of population health screening. Participant phenotype was not available at the time of variant classification. Additional details can be found in publication PMID: 35346344, PMCID: PMC8962531

Literature cited by the submitters: PubMed 19763184 (cited by 3 submitters); PubMed 30877234 (cited by Ambry Genetics); PubMed 38969834 (cited by Ambry Genetics); PubMed 15300849 (cited by Labcorp Genetics (formerly Invitae), Labcorp and All of Us Research Program, National Institutes of Health); PubMed 16314641 (cited by Labcorp Genetics (formerly Invitae), Labcorp and All of Us Research Program, National Institutes of Health); PubMed 29790589 (cited by Labcorp Genetics (formerly Invitae), Labcorp).